The following is an entry in ClinVar:

NM_000094.4(COL7A1):c.5632G>T (p.Gly1878Ter)

Gene: COL7A1 (collagen type VII alpha 1 chain; minus strand). Cytogenetic location: 3p21.31.
Variant type: single nucleotide variant.
Coding change: c.5632G>T on transcript NM_000094.4 (MANE Select); coding-DNA position 5632, G replaced by T.
Protein change: p.Gly1878Ter; replaces glycine 1878 with a stop codon.
Molecular consequence: nonsense.
Genome position (GRCh38, 1-based): chr3:48,576,744, C>A on the plus strand (G>T on the coding strand, the complement: COL7A1 is on the minus strand). VCF-style: chr3-48576744-C-A. GRCh37 (hg19) VCF-style: chr3-48614177-C-A.
Other names: short protein forms G1878*.
Identifiers: ClinVar variation 4533181 (VCV004533181.2).

ClinVar aggregate classification (germline): Pathogenic. Review status: criteria provided, multiple submitters, no conflicts (2 of 4 stars). 2 submissions from 2 submitters: Pathogenic (2). Last evaluated 2025-10-28.

Conditions:
Recessive dystrophic epidermolysis bullosa (RDEB). Also called: DYSTROPHIC EPIDERMOLYSIS BULLOSA, AUTOSOMAL RECESSIVE; EPIDERMOLYSIS BULLOSA DYSTROPHICA, HALLOPEAU-SIEMENS TYPE; Hallopeau-Siemens Disease; Epidermolysis Bullosa Distrophica Autosomal Recessive (RDEB); epidermolysis bullosa dystrophica, autosomal recessive; severe generalized recessive dystrophic epidermolysis bullosa. Identifiers: Orphanet 79408, Orphanet 79409, MedGen C0079474, MONDO:0009179, OMIM 226600.
Epidermolysis bullosa simplex 1A, generalized severe (EBS1A). Also called: Epidermolysis bullosa simplex Dowling-Meara type. Identifiers: Orphanet 79396, MedGen C0079295, MONDO:0007550, OMIM 131760.

Submissions (2):

Myriad Genetics, Inc.
Classification: Pathogenic for Recessive dystrophic epidermolysis bullosa. Last evaluated: 2025-10-28. Review status: criteria provided, single submitter. Criteria: Myriad Autosomal Dominant, Autosomal Recessive and X-Linked Classification Criteria (2023). Collection method: clinical testing. Allele origin: unknown.
Comment: NM_000094.3(COL7A1):c.5632G>T(G1878*) is expected to be pathogenic in the context of dystrophic epidermolysis bullosa. This variant is predicted to lead to an abnormal or absent protein product due to the creation of a premature termination codon in COL7A1, a gene where loss-of-function variants are known to be pathogenic. Please note: this variant was assessed in the context of healthy population screening.

Centro de Genética y Biología Molecular, Universidad de San Martín de Porres
Classification: Pathogenic for Epidermolysis bullosa simplex 1A, generalized severe. Last evaluated: 2020-01-20. Review status: criteria provided, single submitter. Criteria: ACMG Guidelines, 2015. Collection method: research. Allele origin: biparental. Inheritance: Autosomal dominant inheritance. Affected: yes. Observed: 1 homozygote.
Comment: It is not present in population databases. Glycine substitutions in COL7A1, have a high degree of conservation . Negative immunofluorescence for COL7 and no anchor fibrils at electron microscopy levels.

Literature cited by the submitters: PubMed 17229600 (cited by Centro de Genética y Biología Molecular, Universidad de San Martín de Porres).